The following is an entry in ClinVar:

ClinVar aggregate classification (germline): Uncertain significance (1 of 4 stars; one submission).

Conditions:
Brachyolmia-amelogenesis imperfecta syndrome. Also called: PLATYSPONDYLY WITH AMELOGENESIS IMPERFECTA; Tooth agenesis, selective, 6; Dental anomalies and short stature. Identifiers: Orphanet 2899, MedGen C1832594, MONDO:0011018, OMIM 601216. Disease mechanism: loss of function.

Submission:

Labcorp Genetics (formerly Invitae), Labcorp
Classification: Uncertain significance for Brachyolmia-amelogenesis imperfecta syndrome. Last evaluated: 2022-02-06. Review status: criteria provided, single submitter. Criteria: Invitae Variant Classification Sherloc (09022015). Collection method: clinical testing. Allele origin: germline.
Comment: This variant is not present in population databases (gnomAD no frequency). This sequence change replaces glutamine, which is neutral and polar, with proline, which is neutral and non-polar, at codon 241 of the LTBP3 protein (p.Gln241Pro). This variant has not been reported in the literature in individuals affected with LTBP3-related conditions. In summary, the available evidence is currently insufficient to determine the role of this variant in disease. Therefore, it has been classified as a Variant of Uncertain Significance. Algorithms developed to predict the effect of missense changes on protein structure and function are either unavailable or do not agree on the potential impact of this missense change (SIFT: "Tolerated"; PolyPhen-2: "Probably Damaging"; Align-GVGD: "Class C0").

NM_001130144.3(LTBP3):c.722A>C (p.Gln241Pro)

Gene: LTBP3 (latent transforming growth factor beta binding protein 3; minus strand). Cytogenetic location: 11q13.1.
Variant type: single nucleotide variant.
Coding change: c.722A>C on transcript NM_001130144.3 (MANE Select); coding-DNA position 722, A replaced by C.
Protein change: p.Gln241Pro; replaces glutamine 241 with proline.
Molecular consequence: missense variant.
Genome position (GRCh38, 1-based): chr11:65,553,843, T>G on the plus strand (A>C on the coding strand, the complement: LTBP3 is on the minus strand). VCF-style: chr11-65553843-T-G. GRCh37 (hg19) VCF-style: chr11-65321314-T-G.
Other names: c.371A>C, p.Gln124Pro (NM_001164266.1); c.722A>C, p.Gln241Pro (NM_021070.4); short protein forms Q124P, Q241P.
Identifiers: ClinVar variation 2094189 (VCV002094189.4), dbSNP rs2496176239, ClinGen allele CA381275962.